The following is an entry in ClinVar:

ClinVar aggregate classification (germline): Uncertain significance (1 of 4 stars; one submission).

Submission:

GeneDx
Classification: Uncertain significance. Last evaluated: 2023-12-27. Review status: criteria provided, single submitter. Criteria: GeneDx Variant Classification Process June 2021. Collection method: clinical testing. Allele origin: germline. Affected: yes.
Comment: Not observed at significant frequency in large population cohorts (gnomAD); In silico analysis supports that this missense variant does not alter protein structure/function; Has not been previously published as pathogenic or benign to our knowledge

NM_006180.6(NTRK2):c.684G>A (p.Met228Ile)

Gene: NTRK2 (neurotrophic receptor tyrosine kinase 2; plus strand). Cytogenetic location: 9q21.33.
Variant type: single nucleotide variant.
Coding change: c.684G>A on transcript NM_006180.6 (MANE Select); coding-DNA position 684, G replaced by A.
Protein change: p.Met228Ile; replaces methionine 228 with isoleucine.
Molecular consequence: missense variant.
Genome position (GRCh38, 1-based): chr9:84,723,673, G>A. VCF-style: chr9-84723673-G-A. GRCh37 (hg19) VCF-style: chr9-87338588-G-A.
Other names: c.684G>A, p.Met228Ile (NM_001007097.3, NM_001018064.3, NM_001018065.2 and 18 more transcripts); c.216G>A, p.Met72Ile (NM_001369535.1, NM_001369536.1, NM_001369550.1 and 2 more transcripts); short protein forms M228I, M72I.
Identifiers: ClinVar variation 3342536 (VCV003342536.1).